The following is an entry in ClinVar:

NM_004656.4(BAP1):c.589G>T (p.Gly197Trp)

Gene: BAP1 (BRCA1 associated deubiquitinase 1; minus strand). Cytogenetic location: 3p21.1.
Variant type: single nucleotide variant.
Coding change: c.589G>T on transcript NM_004656.4 (MANE Select); coding-DNA position 589, G replaced by T.
Protein change: p.Gly197Trp; replaces glycine 197 with tryptophan.
Molecular consequence: missense variant.
Genome position (GRCh38, 1-based): chr3:52,406,899, C>A on the plus strand (G>T on the coding strand, the complement: BAP1 is on the minus strand). VCF-style: chr3-52406899-C-A. GRCh37 (hg19) VCF-style: chr3-52440915-C-A.
Other names: c.589G>T (NM_004656.2); short protein forms G197W.
Identifiers: ClinVar variation 412425 (VCV000412425.6), dbSNP rs1060503739, ClinGen allele CA16611543.

ClinVar aggregate classification (germline): Uncertain significance. Review status: criteria provided, multiple submitters, no conflicts (2 of 4 stars). 2 submissions from 2 submitters: Uncertain significance (2). Last evaluated 2025-11-07.

Conditions:
Hereditary cancer-predisposing syndrome. Also called: Neoplastic Syndromes, Hereditary; Tumor predisposition; Hereditary Cancer Syndrome; Hereditary neoplastic syndrome. Identifiers: Orphanet 140162, MedGen C0027672, MeSH D009386, MONDO:0015356.
BAP1-related tumor predisposition syndrome (TPDS1). Also called: BAP1 tumor predisposition syndrome; Tumor susceptibility linked to germline BAP1 mutations; TUMOR PREDISPOSITION SYNDROME 1; COMMON Syndrome. Identifiers: Orphanet 289539, MedGen C3280492, MONDO:0013692, OMIM 614327.

Submissions (2):

Ambry Genetics
Classification: Uncertain significance for Hereditary cancer-predisposing syndrome. Last evaluated: 2025-11-07. Review status: criteria provided, single submitter. Criteria: Ambry Variant Classification Scheme 2023. Collection method: clinical testing. Allele origin: germline.
Comment: The p.G197W variant (also known as c.589G>T), located in coding exon 8 of the BAP1 gene, results from a G to T substitution at nucleotide position 589. The glycine at codon 197 is replaced by tryptophan, an amino acid with highly dissimilar properties. This amino acid position is conserved. In addition, the in silico prediction for this alteration is inconclusive. Based on the available evidence, the clinical significance of this variant remains unclear.

Labcorp Genetics (formerly Invitae), Labcorp
Classification: Uncertain significance for BAP1-related tumor predisposition syndrome. Last evaluated: 2025-08-03. Review status: criteria provided, single submitter. Criteria: Invitae Variant Classification Sherloc (09022015). Collection method: clinical testing. Allele origin: germline.
Comment: This sequence change replaces glycine, which is neutral and non-polar, with tryptophan, which is neutral and slightly polar, at codon 197 of the BAP1 protein (p.Gly197Trp). This variant is not present in population databases (gnomAD no frequency). This variant has not been reported in the literature in individuals affected with BAP1-related conditions. ClinVar contains an entry for this variant (Variation ID: 412425). Invitae Evidence Modeling of protein sequence and biophysical properties (such as structural, functional, and spatial information, amino acid conservation, physicochemical variation, residue mobility, and thermodynamic stability) has been performed for this missense variant. However, the output from this modeling did not meet the statistical confidence thresholds required to predict the impact of this variant on BAP1 protein function. In summary, the available evidence is currently insufficient to determine the role of this variant in disease. Therefore, it has been classified as a Variant of Uncertain Significance.